The following is an entry in ClinVar:

NM_000179.3(MSH6):c.3256C>G (p.Pro1086Ala)

Gene: MSH6 (mutS homolog 6; plus strand). Cytogenetic location: 2p16.3.
Variant type: single nucleotide variant.
Coding change: c.3256C>G on transcript NM_000179.3 (MANE Select); coding-DNA position 3256, C replaced by G.
Protein change: p.Pro1086Ala; replaces proline 1086 with alanine.
Molecular consequence: missense variant.
Genome position (GRCh38, 1-based): chr2:47,803,503, C>G. VCF-style: chr2-47803503-C-G. GRCh37 (hg19) VCF-style: chr2-48030642-C-G.
Other names: c.2866C>G, p.Pro956Ala (NM_001281492.2); c.2350C>G, p.Pro784Ala (NM_001281493.2, NM_001281494.2); short protein forms P1086A, P784A, P956A.
Identifiers: ClinVar variation 237186 (VCV000237186.22), dbSNP rs756108143, ClinGen allele CA070509.
Genomic context (GRCh38, chr2:47,803,503, plus strand): 5'-TATAGTCGAGGGGGTGATGGTCCTATGTGTCGCCCAGTAATTCTGTTGCCGGAAGATACC[C>G]CCCCCTTCTTAGAGCTTAAAGGATCACGCCATCCTTGCATTACGAAGACTTTTTTTGGAG-3'
Protein context (NP_000170.1, residues 1076-1096): RPVILLPEDT[Pro1086Ala]PFLELKGSRH

ClinVar aggregate classification (germline): Conflicting classifications of pathogenicity. Review status: criteria provided, conflicting classifications (1 of 4 stars). 7 submissions from 7 submitters: Uncertain significance (5); Benign (1). 1 of the submissions does not count toward it. Last evaluated 2026-01-12.

Conditions:
Hereditary nonpolyposis colorectal neoplasms. Identifiers: MedGen C0009405, MeSH D003123.
Hereditary cancer-predisposing syndrome. Also called: Hereditary neoplastic syndrome; Hereditary Cancer Syndrome; Neoplastic Syndromes, Hereditary; Tumor predisposition. Identifiers: Orphanet 140162, MedGen C0027672, MeSH D009386, MONDO:0015356.
Lynch syndrome 5 (LYNCH5). Also called: Hereditary non-polyposis colorectal cancer, type 5; Colorectal cancer, hereditary nonpolyposis, type 5. Identifiers: Orphanet 144, MedGen C1833477, MONDO:0013710, OMIM 614350. Disease mechanism: loss of function.

Allele frequency attached by ClinVar (database versions not stated): ExAC 0.00002.
gnomAD v4.1: 1 of 1,614,054 alleles (0.000062%); highest among the groups gnomAD compares: Non-Finnish European, 0.000085%; no homozygotes.

Submissions (7):

Labcorp Genetics (formerly Invitae), Labcorp
Classification: Benign for Hereditary nonpolyposis colorectal neoplasms. Last evaluated: 2026-01-12. Review status: criteria provided, single submitter. Criteria: Invitae Variant Classification Sherloc (09022015). Collection method: clinical testing. Allele origin: germline.

Ambry Genetics
Classification: Uncertain significance for Hereditary cancer-predisposing syndrome. Last evaluated: 2025-01-17. Review status: criteria provided, single submitter. Criteria: Ambry Variant Classification Scheme 2023. Collection method: clinical testing. Allele origin: germline.
Comment: The p.P1086A variant (also known as c.3256C>G), located in coding exon 5 of the MSH6 gene, results from a C to G substitution at nucleotide position 3256. The proline at codon 1086 is replaced by alanine, an amino acid with highly similar properties. This variant was identified in 2 of 1682 Brazilian patients referred for hereditary cancer panel testing (de Oliveira JM et al. Eur J Hum Genet, 2022 Jul;30:818-823). This amino acid position is not well conserved in available vertebrate species, and alanine is the reference amino acid in other primate and vertebrate species. In addition, this alteration is predicted to be tolerated by in silico analysis. Based on the available evidence, the clinical significance of this variant remains unclear.

Myriad Genetics, Inc.
Classification: Uncertain significance for Lynch syndrome 5. Last evaluated: 2023-03-27. Review status: criteria provided, single submitter. Criteria: Myriad Autosomal Dominant, Autosomal Recessive and X-Linked Classification Criteria (2023). Collection method: clinical testing. Allele origin: unknown.
Comment: This variant is classified as a variant of uncertain significance as there is insufficient evidence to determine its impact on protein function and/or cancer risk.

Sema4
Classification: Uncertain significance for Hereditary cancer-predisposing syndrome. Last evaluated: 2022-02-01. Review status: criteria provided, single submitter. Criteria: Sema4 Curation Guidelines. Collection method: curation. Allele origin: germline.
Comment: The MSH6 c.3256C>G (p.P1086A) variant has also been reported in 5/60466 breast cancer cases and 4/53461 healthy controls by a large case-control study (PMID: 33471991). This variant is not reported in the population database Genome Aggregation Database (PMID: 32461654) but has been reported in ClinVar (Variation ID: 237186). Functional studies have not been performed, and in silico predictions of the variant's effect on protein function are inconclusive. The evidence is insufficient to meet ACMG/AMP criteria for classifying the variant as benign or pathogenic. Thus, the clinical significance of this variant is currently uncertain.

Color Diagnostics, LLC DBA Color Health
Classification: Uncertain significance for Hereditary cancer-predisposing syndrome. Last evaluated: 2019-04-08. Review status: criteria provided, single submitter. Criteria: ACMG Guidelines, 2015. Collection method: clinical testing. Allele origin: germline.

GeneDx
Classification: Uncertain significance. Last evaluated: 2018-01-30. Review status: criteria provided, single submitter. Criteria: GeneDx Variant Classification (06012015). Collection method: clinical testing. Allele origin: germline. Affected: yes.
Comment: This variant is denoted MSH6 c.3256C>G at the cDNA level, p.Pro1086Ala (P1086A) at the protein level, and results in the change of a Proline to an Alanine (CCC>GCC). This variant has not, to our knowledge, been published in the literature as pathogenic or benign. MSH6 Pro1086Ala was not observed in large population cohorts (Lek 2016). MSH6 Pro1086Ala is located in the ATPase domain (Warren 2007, Kansikas 2011). In silico analysis, which includes protein predictors and evolutionary conservation, supports that this variant does not alter protein structure/function. Based on currently available evidence, it is unclear whether MSH6 Pro1086Ala is a pathogenic or benign variant. We consider it to be a variant of uncertain significance.

Counsyl
Classification: Uncertain significance for Lynch syndrome 5. Last evaluated: 2017-04-06. Review status: no assertion criteria provided. Collection method: clinical testing. Allele origin: unknown. Not counted in ClinVar's aggregate classification.

Literature cited by the submitters: PubMed 35534704 (cited by Ambry Genetics); PubMed 33471991 (cited by Sema4).